The following is an entry in ClinVar:

NM_004525.3(LRP2):c.3529G>A (p.Gly1177Arg)

Gene: LRP2 (LDL receptor related protein 2; minus strand). Cytogenetic location: 2q31.1.
Variant type: single nucleotide variant.
Coding change: c.3529G>A on transcript NM_004525.3 (MANE Select); coding-DNA position 3529, G replaced by A.
Protein change: p.Gly1177Arg; replaces glycine 1177 with arginine.
Molecular consequence: missense variant.
Genome position (GRCh38, 1-based): chr2:169,243,424, C>T on the plus strand (G>A on the coding strand, the complement: LRP2 is on the minus strand). VCF-style: chr2-169243424-C-T. GRCh37 (hg19) VCF-style: chr2-170099934-C-T.
Other names: short protein forms G1177R.
Identifiers: ClinVar variation 1518498 (VCV001518498.6), dbSNP rs2105387402, ClinGen allele CA349150207.
Genomic context (GRCh38, chr2:169,243,424, plus strand): 5'-AATAAACATTGTGAATAAAAAAGAAGGCAATGCACTTACCACAACCAACCTCATCAGATC[C>T]ATCAACACAATCCTTGTCACCATCACAGACAAACGATAGGTCAATACATCGATGATTGGG-3'
Protein context (NP_004516.2, residues 1167-1187): VCDGDKDCVD[Gly1177Arg]SDEVGCVLNC

ClinVar aggregate classification (germline): Uncertain significance (1 of 4 stars; one submission).

Submission:

Labcorp Genetics (formerly Invitae), Labcorp
Classification: Uncertain significance. Last evaluated: 2022-01-09. Review status: criteria provided, single submitter. Criteria: Invitae Variant Classification Sherloc (09022015). Collection method: clinical testing. Allele origin: germline.
Comment: This sequence change replaces glycine, which is neutral and non-polar, with arginine, which is basic and polar, at codon 1177 of the LRP2 protein (p.Gly1177Arg). This variant is not present in population databases (gnomAD no frequency). This variant has not been reported in the literature in individuals affected with LRP2-related conditions. Advanced modeling of protein sequence and biophysical properties (such as structural, functional, and spatial information, amino acid conservation, physicochemical variation, residue mobility, and thermodynamic stability) performed at Invitae indicates that this missense variant is expected to disrupt LRP2 protein function. Algorithms developed to predict the effect of sequence changes on RNA splicing suggest that this variant may create or strengthen a splice site. In summary, the available evidence is currently insufficient to determine the role of this variant in disease. Therefore, it has been classified as a Variant of Uncertain Significance.